The following is an entry in ClinVar:

NM_020638.3(FGF23):c.673G>A (p.Gly225Arg)

Gene: FGF23 (fibroblast growth factor 23; minus strand). Cytogenetic location: 12p13.32.
Variant type: single nucleotide variant.
Coding change: c.673G>A on transcript NM_020638.3 (MANE Select); coding-DNA position 673, G replaced by A.
Protein change: p.Gly225Arg; replaces glycine 225 with arginine.
Molecular consequence: missense variant.
Genome position (GRCh38, 1-based): chr12:4,370,426, C>T on the plus strand (G>A on the coding strand, the complement: FGF23 is on the minus strand). VCF-style: chr12-4370426-C-T. GRCh37 (hg19) VCF-style: chr12-4479592-C-T.
Other names: short protein forms G225R.
Identifiers: ClinVar variation 1049194 (VCV001049194.2), dbSNP rs750025882, ClinGen allele CA6395626.

ClinVar aggregate classification (germline): Uncertain significance. Review status: criteria provided, single submitter (1 of 4 stars). 2 submissions from 2 submitters: Uncertain significance (1). 1 of the submissions does not count toward it. Last evaluated 2024-01-14.

Conditions:
Tumoral calcinosis, hyperphosphatemic, familial, 2. Identifiers: MedGen C4693863, MONDO:0060714, OMIM 617993.
Autosomal dominant hypophosphatemic rickets (ADHR). Also called: HYPOPHOSPHATEMIA, AUTOSOMAL DOMINANT; VITAMIN D-RESISTANT RICKETS, AUTOSOMAL DOMINANT. Identifiers: Orphanet 89937, MedGen C0342642, MONDO:0008660, OMIM 193100.

Allele frequency attached by ClinVar (database versions not stated): ExAC 0.00001; gnomAD exomes 0.00001 and 0.00002.
gnomAD v4.1: 31 of 1,613,686 alleles (0.0019%); highest among the groups gnomAD compares: South Asian, 0.0044%; no homozygotes.

Submissions (2):

Fulgent Genetics
Classification: Uncertain significance for Autosomal dominant hypophosphatemic rickets; Tumoral calcinosis, hyperphosphatemic, familial, 2. Last evaluated: 2024-01-14. Review status: criteria provided, single submitter. Criteria: ACMG Guidelines, 2015. Collection method: clinical testing. Allele origin: germline.

Department of Pathology and Laboratory Medicine, Sinai Health System
Classification: Uncertain significance. Review status: no assertion criteria provided. Collection method: clinical testing. Allele origin: unknown. Affected: yes. Study: The Canadian Open Genetics Repository (COGR). Not counted in ClinVar's aggregate classification.
Comment: The FGF23 p.Gly225Arg variant was not identified in the literature nor was it identified in ClinVar or LOVD 3.0. The variant was identified in dbSNP (ID: rs750025882) and in 3 of 250826 chromosomes at a frequency of 0.000012 (Genome Aggregation Database Feb 27, 2017). The variant was observed in the following populations: South Asian in 1 of 30604 chromosomes (freq: 0.000033) and European (non-Finnish) in 2 of 113512 chromosomes (freq: 0.000018); it was not observed in the African, Latino, Ashkenazi Jewish, East Asian, European (Finnish) and Other populations. The variant occurs outside of the splicing consensus sequence and in silico or computational prediction software programs (SpliceSiteFinder, MaxEntScan, NNSPLICE, GeneSplicer) do not predict a difference in splicing. The p.Gly225 residue is conserved in mammals but not distantly related organisms and computational analyses (PolyPhen-2, SIFT, AlignGVGD, BLOSUM, MutationTaster) provide inconsistent predictions regarding the impact to the protein; this information is not very predictive of pathogenicity. In summary, based on the above information the clinical significance of this variant cannot be determined with certainty at this time. This variant is classified as a variant of uncertain significance.